The following is an entry in ClinVar:

ClinVar aggregate classification (germline): Uncertain significance (1 of 4 stars; one submission).

Allele frequency attached by ClinVar (database versions not stated): gnomAD exomes below 0.00001.
gnomAD v4.1: 1 of 1,613,746 alleles (0.000062%); highest among the groups gnomAD compares: Non-Finnish European, 0.000085%; no homozygotes.

Submission:

Labcorp Genetics (formerly Invitae), Labcorp
Classification: Uncertain significance. Last evaluated: 2023-11-14. Review status: criteria provided, single submitter. Criteria: Invitae Variant Classification Sherloc (09022015). Collection method: clinical testing. Allele origin: germline.
Comment: This sequence change replaces alanine, which is neutral and non-polar, with valine, which is neutral and non-polar, at codon 672 of the MCM3AP protein (p.Ala672Val). This variant is not present in population databases (gnomAD no frequency). This variant has not been reported in the literature in individuals affected with MCM3AP-related conditions. An algorithm developed to predict the effect of missense changes on protein structure and function (PolyPhen-2) suggests that this variant is likely to be disruptive. In summary, the available evidence is currently insufficient to determine the role of this variant in disease. Therefore, it has been classified as a Variant of Uncertain Significance.

NM_003906.5(MCM3AP):c.2015C>T (p.Ala672Val)

Gene: MCM3AP (minichromosome maintenance complex component 3 associated protein; minus strand). Cytogenetic location: 21q22.3.
Variant type: single nucleotide variant.
Coding change: c.2015C>T on transcript NM_003906.5 (MANE Select); coding-DNA position 2015, C replaced by T.
Protein change: p.Ala672Val; replaces alanine 672 with valine.
Molecular consequence: missense variant.
Genome position (GRCh38, 1-based): chr21:46,273,569, G>A on the plus strand (C>T on the coding strand, the complement: MCM3AP is on the minus strand). VCF-style: chr21-46273569-G-A. GRCh37 (hg19) VCF-style: chr21-47693483-G-A.
Other names: short protein forms A672V.
Identifiers: ClinVar variation 2695755 (VCV002695755.3), dbSNP rs2517410087, ClinGen allele CA410525878.